The following is an entry in ClinVar:

ClinVar aggregate classification (germline): Uncertain significance (1 of 4 stars; one submission).

Conditions:
Ullrich congenital muscular dystrophy 2 (UCMD2). Identifiers: Orphanet 75840, MedGen C4225314, MONDO:0014654, OMIM 616470.
Bethlem myopathy 2 (BTHLM2). Identifiers: Orphanet 536516, Orphanet 610, MedGen C4225313, MONDO:0034022, OMIM 616471.

Submission:

Labcorp Genetics (formerly Invitae), Labcorp
Classification: Uncertain significance for Bethlem myopathy 2; Ullrich congenital muscular dystrophy 2. Last evaluated: 2023-11-08. Review status: criteria provided, single submitter. Criteria: Invitae Variant Classification Sherloc (09022015). Collection method: clinical testing. Allele origin: germline.
Comment: This sequence change replaces valine, which is neutral and non-polar, with isoleucine, which is neutral and non-polar, at codon 179 of the COL12A1 protein (p.Val179Ile). This variant is not present in population databases (gnomAD no frequency). This variant has not been reported in the literature in individuals affected with COL12A1-related conditions. Advanced modeling of protein sequence and biophysical properties (such as structural, functional, and spatial information, amino acid conservation, physicochemical variation, residue mobility, and thermodynamic stability) performed at Invitae indicates that this missense variant is expected to disrupt COL12A1 protein function with a positive predictive value of 80%. In summary, the available evidence is currently insufficient to determine the role of this variant in disease. Therefore, it has been classified as a Variant of Uncertain Significance.

NM_004370.6(COL12A1):c.535G>A (p.Val179Ile)

Gene: COL12A1 (collagen type XII alpha 1 chain; minus strand). Cytogenetic location: 6q13.
Variant type: single nucleotide variant.
Coding change: c.535G>A on transcript NM_004370.6 (MANE Select); coding-DNA position 535, G replaced by A.
Protein change: p.Val179Ile; replaces valine 179 with isoleucine.
Molecular consequence: missense variant. On other transcripts: intron variant (2).
Genome position (GRCh38, 1-based): chr6:75,189,675, C>T on the plus strand (G>A on the coding strand, the complement: COL12A1 is on the minus strand). VCF-style: chr6-75189675-C-T. GRCh37 (hg19) VCF-style: chr6-75899391-C-T.
Other names: c.535G>A, p.Val179Ile (NM_001424113.1, NM_001424114.1, NM_001424115.1); c.73+13045G>A (NM_001424116.1, NM_080645.3); short protein forms V179I.
Identifiers: ClinVar variation 2932461 (VCV002932461.3), dbSNP rs1769824927, ClinGen allele CA364729138.